The following is an entry in ClinVar:

ClinVar aggregate classification (germline): Uncertain significance (1 of 4 stars; one submission).

Conditions:
Inborn genetic diseases. Identifiers: MedGen C0950123, MeSH D030342.

Submission:

Ambry Genetics
Classification: Uncertain significance for Inborn genetic diseases. Last evaluated: 2021-12-20. Review status: criteria provided, single submitter. Criteria: Ambry Variant Classification Scheme 2023. Collection method: clinical testing. Allele origin: germline.
Comment: The p.F277L variant (also known as c.831C>G), located in coding exon 8 of the MDH2 gene, results from a C to G substitution at nucleotide position 831. The phenylalanine at codon 277 is replaced by leucine, an amino acid with highly similar properties. This amino acid position is conserved. In addition, the in silico prediction for this alteration is inconclusive. Since supporting evidence is limited at this time, the clinical significance of this alteration remains unclear.

NM_005918.4(MDH2):c.831C>G (p.Phe277Leu)

Gene: MDH2 (malate dehydrogenase 2; plus strand). Cytogenetic location: 7q11.23.
Variant type: single nucleotide variant.
Coding change: c.831C>G on transcript NM_005918.4 (MANE Select); coding-DNA position 831, C replaced by G.
Protein change: p.Phe277Leu; replaces phenylalanine 277 with leucine.
Molecular consequence: missense variant.
Genome position (GRCh38, 1-based): chr7:76,064,899, C>G. VCF-style: chr7-76064899-C-G. GRCh37 (hg19) VCF-style: chr7-75694217-C-G.
Other names: c.705C>G, p.Phe235Leu (NM_001282403.2); c.510C>G, p.Phe170Leu (NM_001282404.2); short protein forms F277L, F170L, F235L.
Identifiers: ClinVar variation 1762899 (VCV001762899.2), dbSNP rs554804269, ClinGen allele CA367768595.